The following is an entry in ClinVar:

NM_000264.5(PTCH1):c.347T>G (p.Leu116Ter)

Gene: PTCH1 (patched 1; minus strand). Cytogenetic location: 9q22.32.
Variant type: single nucleotide variant.
Coding change: c.347T>G on transcript NM_000264.5 (MANE Select); coding-DNA position 347, T replaced by G.
Protein change: p.Leu116Ter; replaces leucine 116 with a stop codon.
Molecular consequence: nonsense. On other transcripts: 5 prime UTR variant (4), non-coding transcript variant (1).
Genome position (GRCh38, 1-based): chr9:95,506,454, A>C on the plus strand (T>G on the coding strand, the complement: PTCH1 is on the minus strand). VCF-style: chr9-95506454-A-C. GRCh37 (hg19) VCF-style: chr9-98268736-A-C.
Other names: c.149T>G, p.Leu50Ter (NM_001083602.3, NM_001354919.2); c.344T>G, p.Leu115Ter (NM_001083603.3); c.-107T>G (NM_001083604.3, NM_001083605.3, NM_001083606.3 and 1 more transcripts); c.347T>G, p.Leu116Ter (NM_001354918.2); short protein forms L116*, L115*, L50*.
Identifiers: ClinVar variation 1457162 (VCV001457162.8), dbSNP rs1843652409, ClinGen allele CA374120231.

ClinVar aggregate classification (germline): Pathogenic (1 of 4 stars; one submission).

Conditions:
Gorlin syndrome. Also called: Nevoid Basal Cell Carcinoma Syndrome; Basal cell nevus syndrome. Identifiers: Orphanet 377, MedGen C0004779, MONDO:0007187.

Submission:

Labcorp Genetics (formerly Invitae), Labcorp
Classification: Pathogenic for Gorlin syndrome. Last evaluated: 2020-12-03. Review status: criteria provided, single submitter. Criteria: Invitae Variant Classification Sherloc (09022015). Collection method: clinical testing. Allele origin: germline.
Comment: For these reasons, this variant has been classified as Pathogenic. This variant has been observed in individual(s) with basal cell nevus syndrome (Invitae). This variant is not present in population databases (ExAC no frequency). This sequence change creates a premature translational stop signal (p.Leu116*) in the PTCH1 gene. It is expected to result in an absent or disrupted protein product. Loss-of-function variants in PTCH1 are known to be pathogenic (PMID: 16301862, 16419085).

Literature cited by the submitters: PubMed 16301862; PubMed 16419085.